The following is an entry in ClinVar:

NM_018706.7(DHTKD1):c.987+10G>C

Gene: DHTKD1 (dehydrogenase E1 and transketolase domain containing 1; plus strand). Cytogenetic location: 10p14.
Variant type: single nucleotide variant.
Coding change: c.987+10G>C on transcript NM_018706.7 (MANE Select); 10 bases into the intron after coding-DNA position 987, G replaced by C.
Molecular consequence: intron variant.
Genome position (GRCh38, 1-based): chr10:12,089,265, G>C. VCF-style: chr10-12089265-G-C. GRCh37 (hg19) VCF-style: chr10-12131264-G-C.
Identifiers: ClinVar variation 791712 (VCV000791712.26), dbSNP rs142511121, ClinGen allele CA5407705.

ClinVar aggregate classification (germline): Benign. Review status: criteria provided, multiple submitters, no conflicts (2 of 4 stars). 4 submissions from 4 submitters: Benign (3). 1 of the submissions does not count toward it. Last evaluated 2026-02-02.

Conditions:
DHTKD1-related disorder. Also called: DHTKD1-related condition.
2-aminoadipic 2-oxoadipic aciduria (AAKAD). Also called: Aminoadipic aciduria; ALPHA-AMINOADIPIC AND ALPHA-KETOADIPIC ACIDURIA. Identifiers: Orphanet 79154, MedGen C1859817, MONDO:0008774, OMIM 204750.

Allele frequency attached by ClinVar (database versions not stated): 1000 Genomes Project 0.00379; 1000 Genomes Project 30x 0.00468; gnomAD 0.00643; TOPMed 0.00764; ESP Exome Variant Server 0.01131.
gnomAD v4.1: 18,473 of 1,610,644 alleles (1.1%); highest among the groups gnomAD compares: Non-Finnish European, 1.4%; 148 homozygotes.

Submissions (4):

Labcorp Genetics (formerly Invitae), Labcorp
Classification: Benign for 2-aminoadipic 2-oxoadipic aciduria. Last evaluated: 2026-02-02. Review status: criteria provided, single submitter. Criteria: Invitae Variant Classification Sherloc (09022015). Collection method: clinical testing. Allele origin: germline.

ARUP Laboratories, Molecular Genetics and Genomics, ARUP Laboratories
Classification: Benign. Last evaluated: 2024-11-18. Review status: criteria provided, single submitter. Criteria: ARUP Molecular Germline Variant Investigation Process 2024. Collection method: clinical testing. Allele origin: germline.

Breakthrough Genomics
Classification: Benign. Review status: criteria provided, single submitter. Criteria: ACMG Guidelines, 2015. Collection method: not provided. Allele origin: germline. Inheritance: Autosomal recessive inheritance. Affected: yes.

PreventionGenetics, part of Exact Sciences
Classification: Benign for DHTKD1-related condition. Last evaluated: 2019-05-02. Review status: no assertion criteria provided. Collection method: clinical testing. Allele origin: germline. Not counted in ClinVar's aggregate classification.
Comment: This variant is classified as benign based on ACMG/AMP sequence variant interpretation guidelines (Richards et al. 2015 PMID: 25741868, with internal and published modifications).